The following is an entry in ClinVar:

ClinVar aggregate classification (germline): Uncertain significance (1 of 4 stars; one submission).

Allele frequency attached by ClinVar (database versions not stated): gnomAD exomes below 0.00001; gnomAD 0.00001.
gnomAD v4.1: 4 of 1,614,040 alleles (0.00025%); highest among the groups gnomAD compares: African/African-American, 0.0013%; no homozygotes.

Submission:

GeneDx
Classification: Uncertain significance. Last evaluated: 2019-09-25. Review status: criteria provided, single submitter. Criteria: GeneDx Variant Classification Process June 2021. Collection method: clinical testing. Allele origin: germline. Affected: yes.
Comment: Not observed in large population cohorts (Lek et al., 2016); In silico analysis, which includes protein predictors and evolutionary conservation, supports a deleterious effect; Has not been previously published as pathogenic or benign to our knowledge

NM_016219.5(MAN1B1):c.995C>T (p.Thr332Met)

Gene: MAN1B1 (mannosidase alpha class 1B member 1; plus strand). Cytogenetic location: 9q34.3.
Variant type: single nucleotide variant.
Coding change: c.995C>T on transcript NM_016219.5 (MANE Select); coding-DNA position 995, C replaced by T.
Protein change: p.Thr332Met; replaces threonine 332 with methionine.
Molecular consequence: missense variant. On other transcripts: non-coding transcript variant (2).
Genome position (GRCh38, 1-based): chr9:137,101,083, C>T. VCF-style: chr9-137101083-C-T. GRCh37 (hg19) VCF-style: chr9-139995535-C-T.
Other names: short protein forms T332M.
Identifiers: ClinVar variation 1312402 (VCV001312402.2), dbSNP rs1830795038, ClinGen allele CA375650126.